The following is an entry in ClinVar:

NM_199420.4(POLQ):c.6235C>G (p.Pro2079Ala)

Gene: POLQ (DNA polymerase theta; minus strand). Cytogenetic location: 3q13.33.
Variant type: single nucleotide variant.
Coding change: c.6235C>G on transcript NM_199420.4 (MANE Select); coding-DNA position 6235, C replaced by G.
Protein change: p.Pro2079Ala; replaces proline 2079 with alanine.
Molecular consequence: missense variant.
Genome position (GRCh38, 1-based): chr3:121,476,710, G>C on the plus strand (C>G on the coding strand, the complement: POLQ is on the minus strand). VCF-style: chr3-121476710-G-C. GRCh37 (hg19) VCF-style: chr3-121195557-G-C.
Other names: short protein forms P2079A.
Identifiers: ClinVar variation 3422609 (VCV003422609.1).

ClinVar aggregate classification (germline): Uncertain significance (1 of 4 stars; one submission).

Submission:

Ambry Genetics
Classification: Uncertain significance. Last evaluated: 2024-10-21. Review status: criteria provided, single submitter. Criteria: Ambry Variant Classification Scheme 2023. Collection method: clinical testing. Allele origin: germline.
Comment: The p.P2079A variant (also known as c.6235C>G), located in coding exon 20 of the POLQ gene, results from a C to G substitution at nucleotide position 6235. The proline at codon 2079 is replaced by alanine, an amino acid with highly similar properties. This amino acid position is conserved. In addition, the in silico prediction for this alteration is inconclusive. Based on the available evidence, the clinical significance of this variant remains unclear.